The following is an entry in ClinVar:

ClinVar aggregate classification (germline): Uncertain significance. Review status: criteria provided, multiple submitters, no conflicts (2 of 4 stars). 4 submissions from 4 submitters: Uncertain significance (4). Last evaluated 2025-11-05.

Conditions:
BARD1-related cancer predisposition. Identifiers: MedGen CN377756, MONDO:0700267.
Hereditary cancer-predisposing syndrome. Also called: Neoplastic Syndromes, Hereditary; Hereditary Cancer Syndrome; Tumor predisposition; Hereditary neoplastic syndrome. Identifiers: Orphanet 140162, MedGen C0027672, MeSH D009386, MONDO:0015356.
Familial cancer of breast. Also called: BREAST CANCER, FAMILIAL; hereditary breast carcinoma; Hereditary breast cancer. Identifiers: Orphanet 227535, MedGen C0346153, MONDO:0016419, OMIM 114480. Disease mechanism: loss of function.

gnomAD v4.1: 2 of 1,614,038 alleles (0.00012%); highest among the groups gnomAD compares: East Asian, 0.0022%; no homozygotes.

Submissions (4):

Labcorp Genetics (formerly Invitae), Labcorp
Classification: Uncertain significance for Familial cancer of breast. Last evaluated: 2025-11-05. Review status: criteria provided, single submitter. Criteria: Invitae Variant Classification Sherloc (09022015). Collection method: clinical testing. Allele origin: germline.
Comment: This sequence change replaces isoleucine, which is neutral and non-polar, with arginine, which is basic and polar, at codon 573 of the BARD1 protein (p.Ile573Arg). This variant is not present in population databases (gnomAD no frequency). This variant has not been reported in the literature in individuals affected with BARD1-related conditions. ClinVar contains an entry for this variant (Variation ID: 1917585). An algorithm developed to predict the effect of missense changes on protein structure and function (PolyPhen-2) suggests that this variant is likely to be disruptive. In summary, the available evidence is currently insufficient to determine the role of this variant in disease. Therefore, it has been classified as a Variant of Uncertain Significance.

Ambry Genetics
Classification: Uncertain significance for Hereditary cancer-predisposing syndrome. Last evaluated: 2024-01-11. Review status: criteria provided, single submitter. Criteria: Ambry Variant Classification Scheme 2023. Collection method: clinical testing. Allele origin: germline.
Comment: The p.I573R variant (also known as c.1718T>G), located in coding exon 8 of the BARD1 gene, results from a T to G substitution at nucleotide position 1718. The isoleucine at codon 573 is replaced by arginine, an amino acid with similar properties. This amino acid position is conserved. In addition, the in silico prediction for this alteration is inconclusive. Since supporting evidence is limited at this time, the clinical significance of this alteration remains unclear.

Baylor Genetics
Classification: Uncertain significance for Familial cancer of breast. Last evaluated: 2023-07-07. Review status: criteria provided, single submitter. Criteria: ACMG Guidelines, 2015. Collection method: clinical testing. Allele origin: unknown.

Department of Pathology and Laboratory Medicine, Sinai Health System
Classification: Uncertain significance for BARD1-related cancer predisposition. Last evaluated: 2022-01-12. Review status: criteria provided, single submitter. Criteria: ACMG Guidelines, 2015. Collection method: clinical testing. Allele origin: germline. Affected: no.

NM_000465.4(BARD1):c.1718T>G (p.Ile573Arg)

Gene: BARD1 (BRCA1 associated RING domain 1; minus strand). Cytogenetic location: 2q35.
Variant type: single nucleotide variant.
Coding change: c.1718T>G on transcript NM_000465.4 (MANE Select); coding-DNA position 1718, T replaced by G.
Protein change: p.Ile573Arg; replaces isoleucine 573 with arginine.
Molecular consequence: missense variant. On other transcripts: non-coding transcript variant (3), intron variant (1).
Genome position (GRCh38, 1-based): chr2:214,745,814, A>C on the plus strand (T>G on the coding strand, the complement: BARD1 is on the minus strand). VCF-style: chr2-214745814-A-C. GRCh37 (hg19) VCF-style: chr2-215610538-A-C.
Other names: c.1661T>G, p.Ile554Arg (NM_001282543.2); c.365T>G, p.Ile122Arg (NM_001282545.2); c.308T>G, p.Ile103Arg (NM_001282548.2); c.365-15306T>G (NM_001282549.2); c.1718T>G (NM_000465.2, NM_000465.3); short protein forms I554R, I103R, I122R, I573R.
Identifiers: ClinVar variation 1917585 (VCV001917585.8), dbSNP rs587780022, ClinGen allele CA350453166.